The following is an entry in ClinVar:

ClinVar aggregate classification (germline): Uncertain significance (1 of 4 stars; one submission).

Allele frequency attached by ClinVar (database versions not stated): TOPMed below 0.00001; gnomAD 0.00001.
gnomAD v4.1: 1 of 1,613,410 alleles (0.000062%); highest among the groups gnomAD compares: Non-Finnish European, 0.000085%; no homozygotes.

Submission:

Labcorp Genetics (formerly Invitae), Labcorp
Classification: Uncertain significance. Last evaluated: 2023-10-20. Review status: criteria provided, single submitter. Criteria: Invitae Variant Classification Sherloc (09022015). Collection method: clinical testing. Allele origin: germline.
Comment: This sequence change replaces alanine, which is neutral and non-polar, with proline, which is neutral and non-polar, at codon 8 of the AK7 protein (p.Ala8Pro). This variant is not present in population databases (gnomAD no frequency). This variant has not been reported in the literature in individuals affected with AK7-related conditions. Algorithms developed to predict the effect of missense changes on protein structure and function output the following: SIFT: "Not Available"; PolyPhen-2: "Not Available"; Align-GVGD: "Not Available". The proline amino acid residue is found in multiple mammalian species, which suggests that this missense change does not adversely affect protein function. In summary, the available evidence is currently insufficient to determine the role of this variant in disease. Therefore, it has been classified as a Variant of Uncertain Significance.

NM_152327.5(AK7):c.22G>C (p.Ala8Pro)

Genes: AK7 (adenylate kinase 7; plus strand), LOC130056398 (ATAC-STARR-seq lymphoblastoid silent region 6054; plus strand). Cytogenetic location: 14q32.2.
Variant type: single nucleotide variant.
Coding change: c.22G>C on transcript NM_152327.5 (MANE Select); coding-DNA position 22, G replaced by C.
Protein change: p.Ala8Pro; replaces alanine 8 with proline.
Molecular consequence: missense variant.
Genome position (GRCh38, 1-based): chr14:96,392,176, G>C. VCF-style: chr14-96392176-G-C. GRCh37 (hg19) VCF-style: chr14-96858513-G-C.
Other names: c.22G>C, p.Ala8Pro (NM_001350888.2, NM_001350890.2, NM_001350891.2 and 1 more transcripts); short protein forms A8P.
Identifiers: ClinVar variation 2777289 (VCV002777289.2), dbSNP rs1362131620, ClinGen allele CA390910958.
Genomic context (GRCh38, chr14:96,392,176, plus strand): 5'-AGTGGCGCTTTCACCTTAGCAACCAGCGCGGCTCCCACCATGGCTGAAGAAGAGGAAACT[G>C]CTGCTCTCACGGAGAAGGTTATCCGGACCCAGAGGGTGTTTATAAACCTGTTGGATTCCT-3'
Protein context (NP_689540.2, residues 1-18): MAEEEET[Ala8Pro]ALTEKVIRTQ